The following is an entry in ClinVar:

NM_007294.4(BRCA1):c.871T>G (p.Leu291Val)

Gene: BRCA1 (BRCA1 DNA repair associated; minus strand). Cytogenetic location: 17q21.31.
Variant type: single nucleotide variant.
Coding change: c.871T>G on transcript NM_007294.4 (MANE Select); coding-DNA position 871, T replaced by G.
Protein change: p.Leu291Val; replaces leucine 291 with valine.
Molecular consequence: missense variant. On other transcripts: 5 prime UTR variant (2), intron variant (137).
Genome position (GRCh38, 1-based): chr17:43,094,660, A>C on the plus strand (T>G on the coding strand, the complement: BRCA1 is on the minus strand). VCF-style: chr17-43094660-A-C. GRCh37 (hg19) VCF-style: chr17-41246677-A-C.
Other names: c.868T>G, p.Leu290Val (NM_001407611.1, NM_001407612.1, NM_001407613.1 and 22 more transcripts); c.871T>G, p.Leu291Val (NM_001407620.1, NM_001407621.1, NM_001407622.1 and 30 more transcripts); c.748T>G, p.Leu250Val (NM_001407863.1, NM_001407919.1, NM_001407937.1 and 19 more transcripts); c.667T>G, p.Leu223Val (NM_001407874.1, NM_001407875.1); c.661T>G, p.Leu221Val (NM_001407879.1, NM_001407881.1, NM_001407882.1 and 13 more transcripts); c.658T>G, p.Leu220Val (NM_001407894.1, NM_001407895.1, NM_001407896.1 and 9 more transcripts); c.607T>G, p.Leu203Val (NM_001407920.1, NM_001407921.1, NM_001407922.1 and 9 more transcripts); c.604T>G, p.Leu202Val (NM_001407930.1, NM_001407931.1, NM_001407932.1 and 2 more transcripts); and 40 more; short protein forms L179V, L223V, L265V, L163V, L164V, L180V, L202V, L220V.
Identifiers: ClinVar variation 1764447 (VCV001764447.7), dbSNP rs1209004897, ClinGen allele CA10600335.

ClinVar aggregate classification (germline): Conflicting classifications of pathogenicity. Review status: criteria provided, conflicting classifications (1 of 4 stars). 3 submissions from 3 submitters: Uncertain significance (2); Likely benign (1). Last evaluated 2023-10-04.

Conditions:
Hereditary cancer-predisposing syndrome. Also called: Neoplastic Syndromes, Hereditary; Tumor predisposition; Hereditary Cancer Syndrome; Hereditary neoplastic syndrome. Identifiers: Orphanet 140162, MedGen C0027672, MeSH D009386, MONDO:0015356.
Hereditary breast ovarian cancer syndrome. Also called: Hereditary breast and ovarian cancer; Hereditary breast and ovarian cancer syndrome (HBOC); BRCA1- and BRCA2-Associated Hereditary Breast and Ovarian Cancer; Breast and ovarian cancer; Hereditary breast and/or ovarian cancer syndrome; Hereditary breast and ovarian cancer syndrome. Identifiers: Orphanet 145, MedGen C0677776, MeSH D061325, MONDO:0003582. Disease mechanism: loss of function.

Allele frequency attached by ClinVar (database versions not stated): TOPMed below 0.00001; gnomAD 0.00001.
gnomAD v4.1: 1 of 1,614,022 alleles (0.000062%); highest among the groups gnomAD compares: Non-Finnish European, 0.000085%; no homozygotes.

Submissions (3):

Labcorp Genetics (formerly Invitae), Labcorp
Classification: Uncertain significance for Hereditary breast ovarian cancer syndrome. Last evaluated: 2023-10-04. Review status: criteria provided, single submitter. Criteria: Invitae Variant Classification Sherloc (09022015). Collection method: clinical testing. Allele origin: germline.
Comment: This sequence change replaces leucine, which is neutral and non-polar, with valine, which is neutral and non-polar, at codon 291 of the BRCA1 protein (p.Leu291Val). This variant is not present in population databases (gnomAD no frequency). This variant has not been reported in the literature in individuals affected with BRCA1-related conditions. ClinVar contains an entry for this variant (Variation ID: 1764447). Advanced modeling of protein sequence and biophysical properties (such as structural, functional, and spatial information, amino acid conservation, physicochemical variation, residue mobility, and thermodynamic stability) performed at Invitae indicates that this missense variant is not expected to disrupt BRCA1 protein function. In summary, the available evidence is currently insufficient to determine the role of this variant in disease. Therefore, it has been classified as a Variant of Uncertain Significance.

University of Washington Department of Laboratory Medicine, University of Washington
Classification: Likely benign for Hereditary cancer-predisposing syndrome. Last evaluated: 2023-03-23. Review status: criteria provided, single submitter. Criteria: Dines et al. (Genet Med. 2020). Collection method: curation. Allele origin: germline.
Comment: Missense variant in a coldspot region where missense variants are very unlikely to be pathogenic (PMID:31911673).

BRCA1 coldspot (exon 11 using historical exon numbering). Reclassification based on statistical prior probability

Ambry Genetics
Classification: Uncertain significance for Hereditary cancer-predisposing syndrome. Last evaluated: 2020-05-26. Review status: criteria provided, single submitter. Criteria: Ambry Variant Classification Scheme 2023. Collection method: clinical testing. Allele origin: germline.
Comment: The p.L291V variant (also known as c.871T>G), located in coding exon 9 of the BRCA1 gene, results from a T to G substitution at nucleotide position 871. The leucine at codon 291 is replaced by valine, an amino acid with highly similar properties. This amino acid position is well conserved in available vertebrate species. In addition, this alteration is predicted to be deleterious by in silico analysis. Since supporting evidence is limited at this time, the clinical significance of this alteration remains unclear.